The following is an entry in ClinVar:

NM_001048174.2(MUTYH):c.299A>G (p.Tyr100Cys)

Gene: MUTYH (mutY DNA glycosylase; minus strand). Cytogenetic location: 1p34.1.
Variant type: single nucleotide variant.
Coding change: c.299A>G on transcript NM_001048174.2 (MANE Select); coding-DNA position 299, A replaced by G.
Protein change: p.Tyr100Cys; replaces tyrosine 100 with cysteine.
Molecular consequence: missense variant. On other transcripts: non-coding transcript variant (2).
Genome position (GRCh38, 1-based): chr1:45,333,290, T>C on the plus strand (A>G on the coding strand, the complement: MUTYH is on the minus strand). VCF-style: chr1-45333290-T-C. GRCh37 (hg19) VCF-style: chr1-45798962-T-C.
Other names: c.299A>G, p.Tyr100Cys (NM_001048171.2, NM_001048173.2, NM_001293195.2); c.302A>G, p.Tyr101Cys (NM_001048172.2); c.383A>G, p.Tyr128Cys (NM_001128425.2); c.344A>G, p.Tyr115Cys (NM_001293190.2); c.332A>G, p.Tyr111Cys (NM_001293191.2); c.23A>G, p.Tyr8Cys (NM_001293192.2, NM_001293196.2); c.28A>G, p.Met10Val (NM_001350650.2, NM_001350651.2); c.374A>G, p.Tyr125Cys (NM_012222.3); short protein forms Y128C, M10V, Y111C, Y115C, Y100C, Y101C, Y125C, Y8C.
Identifiers: ClinVar variation 233751 (VCV000233751.26), dbSNP rs876660615, ClinGen allele CA10577741.
Genomic context (GRCh38, chr1:45,333,290, plus strand): 5'-CCCAGACCCAAGGGCCTCGAGGCAAAGTGGCCCTGCTCTCAGGAGATGTACTGACCAGCA[T>C]ATGCCCGCCTGTCCAGGTCCATCTCATCTTCTGCCTGTCAATGCAACCCCAGATGAGGAG-3'
Protein context (NP_001041639.1, residues 90-110): EDEMDLDRRA[Tyr100Cys]AVWVSEVMLQ

ClinVar aggregate classification (germline): Conflicting classifications of pathogenicity. Review status: criteria provided, conflicting classifications (1 of 4 stars). 8 submissions from 8 submitters: Pathogenic (1); Likely pathogenic (2); Uncertain significance (5). Last evaluated 2026-07-17.

Conditions:
Hereditary cancer-predisposing syndrome. Also called: Neoplastic Syndromes, Hereditary; Hereditary neoplastic syndrome; Tumor predisposition; Hereditary Cancer Syndrome. Identifiers: Orphanet 140162, MedGen C0027672, MeSH D009386, MONDO:0015356.
Familial adenomatous polyposis 2. Also called: COLORECTAL ADENOMATOUS POLYPOSIS, AUTOSOMAL RECESSIVE; MYH-associated polyposis; FAP type 2; MUTYH-related attenuated familial adenomatous polyposis; MUTYH-associated polyposis; MUTYH Polyposis. Identifiers: Orphanet 220460, Orphanet 247798, MedGen C3272841, MONDO:0012041, OMIM 608456.

Allele frequency attached by ClinVar (database versions not stated): gnomAD exomes 0.00001.
gnomAD v4.1: 13 of 1,614,212 alleles (0.00081%); highest among the groups gnomAD compares: Non-Finnish European, 0.0011%; no homozygotes.

Submissions (8):

Myriad Genetics, Inc.
Classification: Likely pathogenic for Familial adenomatous polyposis 2. Last evaluated: 2026-07-17. Review status: criteria provided, single submitter. Criteria: Myriad Autosomal Dominant, Autosomal Recessive and X-Linked Classification Criteria (2023). Collection method: clinical testing. Allele origin: unknown.
Comment: This variant is considered likely pathogenic. Functional studies indicate this variant impacts protein function [PMID: 40738107]. This variant is expected to disrupt protein structure [Myriad internal data]. This variant has been reported in multiple individuals with clinical features of gene-specific disease [Myriad internal data].

Labcorp Genetics (formerly Invitae), Labcorp
Classification: Pathogenic for Familial adenomatous polyposis 2. Last evaluated: 2025-11-23. Review status: criteria provided, single submitter. Criteria: Invitae Variant Classification Sherloc (09022015). Collection method: clinical testing. Allele origin: germline.
Comment: This sequence change replaces tyrosine, which is neutral and polar, with cysteine, which is neutral and slightly polar, at codon 128 of the MUTYH protein (p.Tyr128Cys). This variant is not present in population databases (gnomAD no frequency). This missense change has been observed in individual(s) with clinical features of MUTYH-associated polyposis (external communication, internal data). In at least one individual the data is consistent with being in trans (on the opposite chromosome) from a pathogenic variant. ClinVar contains an entry for this variant (Variation ID: 233751). An algorithm developed to predict the effect of missense changes on protein structure and function (PolyPhen-2) suggests that this variant is likely to be disruptive. This variant disrupts the p.Tyr128 amino acid residue in MUTYH. Other variant(s) that disrupt this residue have been observed in individuals with MUTYH-related conditions (PMID: 15366000, 23677194), which suggests that this may be a clinically significant amino acid residue. For these reasons, this variant has been classified as Pathogenic.

GeneDx
Classification: Uncertain significance. Last evaluated: 2024-11-06. Review status: criteria provided, single submitter. Criteria: GeneDx Variant Classification Process June 2021. Collection method: clinical testing. Allele origin: germline. Affected: yes.
Comment: Not observed at significant frequency in large population cohorts (gnomAD); In silico analysis supports that this missense variant has a deleterious effect on protein structure/function; Has not been previously published as pathogenic or benign to our knowledge

Ambry Genetics
Classification: Likely pathogenic for Hereditary cancer-predisposing syndrome. Last evaluated: 2024-10-07. Review status: criteria provided, single submitter. Criteria: Ambry Variant Classification Scheme 2023. Collection method: clinical testing. Allele origin: germline.
Comment: The p.Y128C variant (also known as c.383A>G), located in coding exon 4 of the MUTYH gene, results from an A to G substitution at nucleotide position 383. The tyrosine at codon 128 is replaced by cysteine, an amino acid with highly dissimilar properties. This variant has been identified likely in trans with two different MUTYH pathogenic variants in individuals diagnosed with MUTYH-associated polyposis (Ambry internal data). Based on internal structural analysis, Y128C is deleterious; the variant is moderately destabilizing to the local structure (Ambry internal data). This variant is considered to be rare based on population cohorts in the Genome Aggregation Database (gnomAD). This amino acid position is highly conserved in available vertebrate species. In addition, this alteration is predicted to be deleterious by in silico analysis. Based on the majority of available evidence to date, this variant is likely to be pathogenic.

Baylor Genetics
Classification: Uncertain significance for Familial adenomatous polyposis 2. Last evaluated: 2023-12-15. Review status: criteria provided, single submitter. Criteria: ACMG Guidelines, 2015. Collection method: clinical testing. Allele origin: unknown.

All of Us Research Program, National Institutes of Health
Classification: Uncertain significance for Familial adenomatous polyposis 2. Last evaluated: 2023-03-23. Review status: criteria provided, single submitter. Criteria: ACMG Guidelines, 2015. Collection method: clinical testing. Allele origin: germline. Inheritance: Autosomal recessive inheritance. Observed: 1 variant allele, 1 heterozygote.
Comment: This missense variant replaces tyrosine with cysteine at codon 128 of the MUTYH protein. Computational prediction suggests that this variant may have deleterious impact on protein structure and function (internally defined REVEL score threshold >= 0.7, PMID: 27666373). Splice site prediction tools suggest that this variant may not impact RNA splicing. To our knowledge, functional studies have not been reported for this variant. This variant has not been reported in individuals affected with hereditary cancer in the literature. This variant has not been identified in the general population by the Genome Aggregation Database (gnomAD). The available evidence is insufficient to determine the role of this variant in disease conclusively. Therefore, this variant is classified as a Variant of Uncertain Significance.

This study involves interpretation of variants in research participants for the purpose of population health screening. Participant phenotype was not available at the time of variant classification. Additional details can be found in publication PMID: 35346344, PMCID: PMC8962531

Color Diagnostics, LLC DBA Color Health
Classification: Uncertain significance for Hereditary cancer-predisposing syndrome. Last evaluated: 2023-02-16. Review status: criteria provided, single submitter. Criteria: ACMG Guidelines, 2015. Collection method: clinical testing. Allele origin: germline.
Comment: This missense variant replaces tyrosine with cysteine at codon 128 of the MUTYH protein. Computational prediction suggests that this variant may have deleterious impact on protein structure and function (internally defined REVEL score threshold >= 0.7, PMID: 27666373). To our knowledge, functional studies have not been reported for this variant. This variant has not been reported in individuals affected with MUTYH-related disorders in the literature. This variant has not been identified in the general population by the Genome Aggregation Database (gnomAD). The available evidence is insufficient to determine the role of this variant in disease conclusively. Therefore, this variant is classified as a Variant of Uncertain Significance.

Sema4
Classification: Uncertain significance for Hereditary cancer-predisposing syndrome. Last evaluated: 2021-09-30. Review status: criteria provided, single submitter. Criteria: Sema4 Curation Guidelines. Collection method: curation. Allele origin: germline.
Comment: The MUTYH c.383A>G (p.Y128C) variant has not been reported in the literature to our knowledge. It was not observed in the large and broad cohorts of the Genome Aggregation Database, but has been reported in ClinVar (Variation ID: 233751). In silico tools suggest the impact of the variant on protein function is deleterious, though these predictions have not been confirmed by functional studies. The evidence is insufficient to meet ACMG/AMP criteria for classifying the variant as benign or pathogenic. Thus, the clinical significance of this variant is currently uncertain.

Literature cited by the submitters: PubMed 40738107 (cited by Myriad Genetics, Inc.); PubMed 15366000 (cited by Labcorp Genetics (formerly Invitae), Labcorp and Ambry Genetics); PubMed 23677194 (cited by Labcorp Genetics (formerly Invitae), Labcorp).